The following continues an entry in ClinVar:

NM_014297.5(ETHE1):c.488G>A (p.Arg163Gln)

Gene: ETHE1. ClinVar aggregate classification (germline): Pathogenic. Pathogenic (1).

Submissions 10 to 14 of 14:

Women's Health and Genetics/Laboratory Corporation of America, LabCorp
Classification: Pathogenic for Ethylmalonic encephalopathy. Last evaluated: 2018-05-29. Review status: criteria provided, single submitter. Criteria: LabCorp Variant Classification Summary - May 2015. Collection method: clinical testing. Allele origin: germline. Not counted in ClinVar's aggregate classification.
Comment: Variant summary: ETHE1 c.488G>A (p.Arg163Gln) results in a conservative amino acid change located in the Metallo-beta-lactamase (IPR001279) of the encoded protein sequence. Four of five in-silico tools predict a damaging effect of the variant on protein function. The variant allele was found at a frequency of 5.3e-05 in 246246 control chromosomes (gnomAD). The variant, c.488G>A, has been reported commonly in the literature in multiple individuals affected with Ethylmalonic Encephalopathy (Mineri_2008, Al-Shamsi_2016). Urine organic acid and acylglycine profiles were consistent with ethylmalonic encepathopathy. These data indicate that the variant is very likely to be associated with disease. At least one publication reports experimental evidence evaluating an impact on protein function. The most pronounced variant effect results in <10% of normal activity (Henriques_2014). Two clinical diagnostic laboratories have submitted clinical-significance assessments for this variant to ClinVar after 2014 without evidence for independent evaluation and classified the variant as pathogenic/likely pathogenic. Based on the evidence outlined above, the variant was classified as pathogenic.

Illumina Laboratory Services, Illumina
Classification: Pathogenic for Ethylmalonic encephalopathy. Last evaluated: 2017-04-27. Review status: criteria provided, single submitter. Criteria: ICSL Variant Classification Criteria 09 May 2019. Collection method: clinical testing. Allele origin: germline. Not counted in ClinVar's aggregate classification.
Comment: The ETHE1 c.488G>A (p.Arg163Gln) variant has been reported in at least three studies in which it was found in a homozygous state in two individuals and in a compound heterozygous state in four individuals, all with ethylmalonic encephalopathy (Tiranti et al. 2006; Mineri et al. 2008; Papetti et al. 2015). In one of the compound heterozygotes, the p.Arg163Gln variant was found to be in trans with a stop-gained variant and in cis with an additional missense variant located in a non-conserved residue (Papetti et al. 2015). The p.Arg163Gln variant was absent from 200 control individuals (Tiranti et al. 2004) and is reported at a frequency of 0.00035 in the Latino population of the Exome Aggregation Consortium. The variant is located in a well-conserved residue in the catalytic domain of the protein. Functional expression studies in E. coli showed that the p.Arg163Gln variant significantly reduced the conformational stability and activity of the ETHE1 protein compared to wildtype (Henriques et al. 2014). Based on the collective evidence, the p.Arg163Gln variant is classified as pathogenic for ethylmalonic encephalopathy. This variant was observed by ICSL as part of a predisposition screen in an ostensibly healthy population.

Neuberg Centre For Genomic Medicine, NCGM
Classification: Pathogenic for Ethylmalonic encephalopathy. Review status: criteria provided, single submitter. Criteria: ACMG Guidelines, 2015. Collection method: clinical testing. Allele origin: germline. Affected: yes. Not counted in ClinVar's aggregate classification.
Comment: The missense variant p.R163Q in ETHE1 (NM_014297.5) has been previously reported in homozygous as well as compound heterozygous state in affected individuals (Papetti L et al; Al-Shamsi A et al).Functional studies suggest a detrimental effect (Henriques BJ et al). The variant has been submitted to ClinVar as Pathogenic. The p.R163Q variant is observed in 13 alleles in the gnomAD exomes (MAF=0.005%) and is novel (not in any individuals) in 1000 Genomes. The p.R163Q missense variant is predicted to be damaging by both SIFT and PolyPhen2. The arginine residue at codon 163 of ETHE1 is conserved in all mammalian species. The nucleotide c.488 in ETHE1 is predicted conserved by GERP++ and PhyloP across 100 vertebrates. For these reasons, this variant has been classified as Pathogenic.

Gene Friend Way, National Innovation Center
Classification: Pathogenic for Type 2 diabetes mellitus. Last evaluated: 2025-01-01. Review status: no assertion criteria provided. Collection method: clinical testing. Allele origin: unknown. Affected: yes. Observed: 1 variant allele. Not counted in ClinVar's aggregate classification.
Comment: The variant has been predicted to have damaging effect on protein function and has been submitted to ClinVar as Pathogenic. ETHE1 deficiency leads to abnormal lipid catabolism (PMID: 23800285, 19136963). ETHE1 plays an essential role in hydrogen sulfide catabolism, which has been demonstrated to be contributing to the pathogenesis of diabetes and its complications (PMID: 33681206; 22149162, 35743160).

GeneReviews
No classification provided. Condition: Ethylmalonic encephalopathy. Review status: no classification provided. Collection method: literature only. Allele origin: germline. Not counted in ClinVar's aggregate classification.

Literature cited by the submitters: PubMed 14732903 (cited by 3 submitters); PubMed 18593870 (cited by 4 submitters); PubMed 16183799 (cited by Natera, Inc. and Illumina Laboratory Services, Illumina); PubMed 26194623 (cited by Labcorp Genetics (formerly Invitae), Labcorp and Illumina Laboratory Services, Illumina); PubMed 27771676 (cited by Labcorp Genetics (formerly Invitae), Labcorp); PubMed 30298498 (cited by Labcorp Genetics (formerly Invitae), Labcorp); PubMed 25198162 (cited by 3 submitters); PubMed 16828325 (cited by Labcorp Genetics (formerly Invitae), Labcorp); PubMed 17712735 (cited by Labcorp Genetics (formerly Invitae), Labcorp); PubMed 27391121 (cited by Women's Health and Genetics/Laboratory Corporation of America, LabCorp); PubMed 23800285 (cited by Gene Friend Way, National Innovation Center); PubMed 19136963 (cited by Gene Friend Way, National Innovation Center); PubMed 33681206 (cited by Gene Friend Way, National Innovation Center); PubMed 22149162 (cited by Gene Friend Way, National Innovation Center); PubMed 35743160 (cited by Gene Friend Way, National Innovation Center); NCBI Bookshelf NBK453432 (cited by GeneReviews); PubMed 28933811 (cited by GeneReviews).